The following is an entry in ClinVar:

NM_002709.3(PPP1CB):c.104G>T (p.Arg35Leu)

Gene: PPP1CB (protein phosphatase 1 catalytic subunit beta; plus strand). Cytogenetic location: 2p23.2.
Variant type: single nucleotide variant.
Coding change: c.104G>T on transcript NM_002709.3 (MANE Select); coding-DNA position 104, G replaced by T.
Protein change: p.Arg35Leu; replaces arginine 35 with leucine.
Molecular consequence: missense variant.
Genome position (GRCh38, 1-based): chr2:28,776,902, G>T. VCF-style: chr2-28776902-G-T. GRCh37 (hg19) VCF-style: chr2-28999768-G-T.
Other names: c.104G>T, p.Arg35Leu (NM_206876.2); short protein forms R35L.
Identifiers: ClinVar variation 3714450 (VCV003714450.2).
Genomic context (GRCh38, chr2:28,776,902, plus strand): 5'-GTTTGTCAGTACGAGGATGTCGTCCAGGAAAGATTGTGCAGATGACTGAAGCAGAAGTTC[G>T]AGGCTTATGTATCAAGTCTCGGGAGATCTTTCTCAGCCAGCCTATTCTTTTGGAATTGGA-3'
Protein context (NP_002700.1, residues 25-45): KIVQMTEAEV[Arg35Leu]GLCIKSREIF

ClinVar aggregate classification (germline): Uncertain significance (1 of 4 stars; one submission).

Submission:

Labcorp Genetics (formerly Invitae), Labcorp
Classification: Uncertain significance. Last evaluated: 2024-11-02. Review status: criteria provided, single submitter. Criteria: Invitae Variant Classification Sherloc (09022015). Collection method: clinical testing. Allele origin: germline.
Comment: This sequence change replaces arginine, which is basic and polar, with leucine, which is neutral and non-polar, at codon 35 of the PPP1CB protein (p.Arg35Leu). This variant is not present in population databases (gnomAD no frequency). This variant has not been reported in the literature in individuals affected with PPP1CB-related conditions. Invitae Evidence Modeling of protein sequence and biophysical properties (such as structural, functional, and spatial information, amino acid conservation, physicochemical variation, residue mobility, and thermodynamic stability) indicates that this missense variant is not expected to disrupt PPP1CB protein function with a negative predictive value of 80%. In summary, the available evidence is currently insufficient to determine the role of this variant in disease. Therefore, it has been classified as a Variant of Uncertain Significance.